The following is an entry in ClinVar:

NM_021267.5(CERS1):c.173C>T (p.Pro58Leu)

Genes: CERS1 (ceramide synthase 1; minus strand), GDF1 (growth differentiation factor 1; minus strand). Cytogenetic location: 19p13.11.
Variant type: single nucleotide variant.
Coding change: c.173C>T on transcript NM_021267.5 (MANE Select); coding-DNA position 173, C replaced by T.
Protein change: p.Pro58Leu; replaces proline 58 with leucine.
Molecular consequence: missense variant. On other transcripts: 5 prime UTR variant (4), intron variant (3).
Genome position (GRCh38, 1-based): chr19:18,895,900, G>A on the plus strand (C>T on the coding strand, the complement: CERS1 is on the minus strand). VCF-style: chr19-18895900-G-A. GRCh37 (hg19) VCF-style: chr19-19006709-G-A.
Other names: c.173C>T, p.Pro58Leu (NM_001387439.1, NM_001387440.1, NM_001387441.1 and 1 more transcripts); c.-356C>T (NM_001387444.1); c.-303C>T (NM_001387445.1); c.-730C>T (NM_001387438.1); c.-1150C>T (NM_001492.6); c.-46+826C>T (NM_001387443.1); c.-46+661C>T (NM_001387442.1, NM_001290265.2); short protein forms P58L.
Identifiers: ClinVar variation 1025547 (VCV001025547.7), dbSNP rs2056614649, ClinGen allele CA404868418.

ClinVar aggregate classification (germline): Uncertain significance (1 of 4 stars; one submission).

Conditions:
Progressive myoclonic epilepsy type 8. Identifiers: Orphanet 424027, MedGen C5190825, MONDO:0014545, OMIM 616230.

Allele frequency attached by ClinVar (database versions not stated): gnomAD 0.00001; 1000 Genomes Project 30x 0.00016.

Submission:

Labcorp Genetics (formerly Invitae), Labcorp
Classification: Uncertain significance for Progressive myoclonic epilepsy type 8. Last evaluated: 2022-09-07. Review status: criteria provided, single submitter. Criteria: Invitae Variant Classification Sherloc (09022015). Collection method: clinical testing. Allele origin: germline.
Comment: This sequence change replaces proline, which is neutral and non-polar, with leucine, which is neutral and non-polar, at codon 58 of the CERS1 protein (p.Pro58Leu). This variant is not present in population databases (gnomAD no frequency). This variant has not been reported in the literature in individuals affected with CERS1-related conditions. ClinVar contains an entry for this variant (Variation ID: 1025547). Algorithms developed to predict the effect of missense changes on protein structure and function (SIFT, PolyPhen-2, Align-GVGD) all suggest that this variant is likely to be tolerated. In summary, the available evidence is currently insufficient to determine the role of this variant in disease. Therefore, it has been classified as a Variant of Uncertain Significance.